The following is an entry in ClinVar:

NM_004006.3(DMD):c.94T>C (p.Phe32Leu)

Gene: DMD (dystrophin; minus strand). Cytogenetic location: Xp21.1.
Variant type: single nucleotide variant.
Coding change: c.94T>C on transcript NM_004006.3 (MANE Select); coding-DNA position 94, T replaced by C.
Protein change: p.Phe32Leu; replaces phenylalanine 32 with leucine.
Molecular consequence: missense variant. On other transcripts: 5 prime UTR variant (1).
Genome position (GRCh38, 1-based): chrX:32,849,820, A>G on the plus strand (T>C on the coding strand, the complement: DMD is on the minus strand). VCF-style: chrX-32849820-A-G. GRCh37 (hg19) VCF-style: chrX-32867937-A-G.
Other names: c.70T>C, p.Phe24Leu (NM_000109.4); c.82T>C, p.Phe28Leu (NM_004009.3); c.-276T>C (NM_004010.3); short protein forms F32L, F24L, F28L.
Identifiers: ClinVar variation 2079537 (VCV002079537.2), dbSNP rs201790047, ClinGen allele CA328578641.
Genomic context (GRCh38, chrX:32,849,820, plus strand): 5'-CTAGGAGGCGCCTCCCATCCTGTAGGTCACTGAAGAGGTTCTCAATATGCTGCTTCCCAA[A>G]CTGAAATTAAAAAAAATACACTCAATTTAACAAAGCACACTTCCAATGATACATTTTCAC-3'
Protein context (NP_003997.2, residues 22-42): TKWVNAQFSK[Phe32Leu]GKQHIENLFS

ClinVar aggregate classification (germline): Uncertain significance (1 of 4 stars; one submission).

Conditions:
Duchenne muscular dystrophy (DMD). Also called: MUSCULAR DYSTROPHY, PSEUDOHYPERTROPHIC PROGRESSIVE, DUCHENNE TYPE; Duchenne Muscular Dystrophy (DMD). Identifiers: Orphanet 98896, MedGen C0013264, MONDO:0010679, OMIM 310200.

Allele frequency attached by ClinVar (database versions not stated): gnomAD exomes below 0.00001; gnomAD 0.00001; TOPMed 0.00001.
gnomAD v4.1: 5 of 1,174,591 alleles (0.00043%); highest among the groups gnomAD compares: Non-Finnish European, 0.00058%; no homozygotes.

Submission:

Labcorp Genetics (formerly Invitae), Labcorp
Classification: Uncertain significance for Duchenne muscular dystrophy. Last evaluated: 2025-04-11. Review status: criteria provided, single submitter. Criteria: Invitae Variant Classification Sherloc (09022015). Collection method: clinical testing. Allele origin: germline.
Comment: This sequence change replaces phenylalanine, which is neutral and non-polar, with leucine, which is neutral and non-polar, at codon 32 of the DMD protein (p.Phe32Leu). This variant is not present in population databases (gnomAD no frequency). This variant has not been reported in the literature in individuals affected with DMD-related conditions. ClinVar contains an entry for this variant (Variation ID: 2079537). An algorithm developed to predict the effect of missense changes on protein structure and function (PolyPhen-2) suggests that this variant is likely to be tolerated. In summary, the available evidence is currently insufficient to determine the role of this variant in disease. Therefore, it has been classified as a Variant of Uncertain Significance.